The following is an entry in ClinVar:

ClinVar aggregate classification (germline): Uncertain significance. Review status: criteria provided, multiple submitters, no conflicts (2 of 4 stars). 2 submissions from 2 submitters: Uncertain significance (2). Last evaluated 2024-06-10.

Allele frequency attached by ClinVar (database versions not stated): gnomAD exomes below 0.00001.

Submissions (2):

Dasa
Classification: Uncertain significance. Last evaluated: 2024-06-10. Review status: criteria provided, single submitter. Criteria: DASA Assertion Criteria. Collection method: clinical testing. Allele origin: germline.
Comment: NM_139242.4(MTFMT):c.589C>T (p.Pro197Ser) is a missense variant that results in the substitution of proline with serine. This variant is rare in population databases. Computational prediction algorithms are consistent with a benign effect. The currently available literature and clinical evidence are not sufficient to establish a definitive association between this variant and the reported condition. Therefore, this variant is classified as a variant of uncertain significance.

Labcorp Genetics (formerly Invitae), Labcorp
Classification: Uncertain significance. Last evaluated: 2022-08-16. Review status: criteria provided, single submitter. Criteria: Invitae Variant Classification Sherloc (09022015). Collection method: clinical testing. Allele origin: germline.
Comment: This sequence change replaces proline, which is neutral and non-polar, with serine, which is neutral and polar, at codon 197 of the MTFMT protein (p.Pro197Ser). This variant is not present in population databases (gnomAD no frequency). This variant has not been reported in the literature in individuals affected with MTFMT-related conditions. Algorithms developed to predict the effect of missense changes on protein structure and function output the following: SIFT: "Tolerated"; PolyPhen-2: "Benign"; Align-GVGD: "Class C0". The serine amino acid residue is found in multiple mammalian species, which suggests that this missense change does not adversely affect protein function. In summary, the available evidence is currently insufficient to determine the role of this variant in disease. Therefore, it has been classified as a Variant of Uncertain Significance.

NM_139242.4(MTFMT):c.589C>T (p.Pro197Ser)

Gene: MTFMT (mitochondrial methionyl-tRNA formyltransferase; minus strand). Cytogenetic location: 15q22.31.
Variant type: single nucleotide variant.
Coding change: c.589C>T on transcript NM_139242.4 (MANE Select); coding-DNA position 589, C replaced by T.
Protein change: p.Pro197Ser; replaces proline 197 with serine.
Molecular consequence: missense variant.
Genome position (GRCh38, 1-based): chr15:65,021,570, G>A on the plus strand (C>T on the coding strand, the complement: MTFMT is on the minus strand). VCF-style: chr15-65021570-G-A. GRCh37 (hg19) VCF-style: chr15-65313908-G-A.
Other names: short protein forms P197S.
Identifiers: ClinVar variation 2093323 (VCV002093323.3), dbSNP rs1041377715, ClinGen allele CA271498980.